The following is an entry in ClinVar:

ClinVar aggregate classification (germline): Uncertain significance. Review status: criteria provided, multiple submitters, no conflicts (2 of 4 stars). 2 submissions from 2 submitters: Uncertain significance (2). Last evaluated 2025-03-05.

Conditions:
Familial hypocalciuric hypercalcemia (FHH). Also called: Familial benign hypercalcemia. Identifiers: Orphanet 405, MedGen C1809471, MONDO:0018458.
Autosomal dominant hypocalcemia 1 (HYPOC1). Also called: HYPOCALCEMIA, FAMILIAL. Identifiers: MedGen C3715128, MONDO:0011013, OMIM 601198.
Nephrolithiasis/nephrocalcinosis. Identifiers: MedGen CN580796.

Allele frequency attached by ClinVar (database versions not stated): TOPMed below 0.00001; gnomAD exomes below 0.00001.
gnomAD v4.1: 1 of 1,614,174 alleles (0.000062%); highest among the groups gnomAD compares: South Asian, 0.0011%; no homozygotes.

Submissions (2):

Labcorp Genetics (formerly Invitae), Labcorp
Classification: Uncertain significance for Familial hypocalciuric hypercalcemia; Autosomal dominant hypocalcemia 1. Last evaluated: 2025-03-05. Review status: criteria provided, single submitter. Criteria: Invitae Variant Classification Sherloc (09022015). Collection method: clinical testing. Allele origin: germline.
Comment: This sequence change replaces histidine, which is basic and polar, with tyrosine, which is neutral and polar, at codon 338 of the CASR protein (p.His338Tyr). This variant is present in population databases (no rsID available, gnomAD 0.003%). This variant has not been reported in the literature in individuals affected with CASR-related conditions. ClinVar contains an entry for this variant (Variation ID: 1733797). An algorithm developed to predict the effect of missense changes on protein structure and function (PolyPhen-2) suggests that this variant is likely to be disruptive. In summary, the available evidence is currently insufficient to determine the role of this variant in disease. Therefore, it has been classified as a Variant of Uncertain Significance.

Ambry Genetics
Classification: Uncertain significance for Nephrolithiasis/nephrocalcinosis. Last evaluated: 2022-02-15. Review status: criteria provided, single submitter. Criteria: Ambry Variant Classification Scheme 2023. Collection method: clinical testing. Allele origin: germline.
Comment: The p.H338Y variant (also known as c.1012C>T), located in coding exon 3 of the CASR gene, results from a C to T substitution at nucleotide position 1012. The histidine at codon 338 is replaced by tyrosine, an amino acid with similar properties. This amino acid position is conserved. In addition, the in silico prediction for this alteration is inconclusive. Since supporting evidence is limited at this time, the clinical significance of this alteration remains unclear.

NM_000388.4(CASR):c.1012C>T (p.His338Tyr)

Gene: CASR (calcium sensing receptor; plus strand). Cytogenetic location: 3q21.1.
Variant type: single nucleotide variant.
Coding change: c.1012C>T on transcript NM_000388.4 (MANE Select); coding-DNA position 1012, C replaced by T.
Protein change: p.His338Tyr; replaces histidine 338 with tyrosine.
Molecular consequence: missense variant.
Genome position (GRCh38, 1-based): chr3:122,262,047, C>T. VCF-style: chr3-122262047-C-T. GRCh37 (hg19) VCF-style: chr3-121980894-C-T.
Other names: c.1012C>T, p.His338Tyr (NM_001178065.2); short protein forms H338Y.
Identifiers: ClinVar variation 1733797 (VCV001733797.5), dbSNP rs1275827144, ClinGen allele CA354152111.